The following is an entry in ClinVar:

ClinVar aggregate classification (germline): Uncertain significance. Review status: criteria provided, multiple submitters, no conflicts (2 of 4 stars). 2 submissions from 2 submitters: Uncertain significance (2). Last evaluated 2023-11-02.

Conditions:
Cardiomyopathy (CMYO). Also called: Cardiomyopathies. Identifiers: Orphanet 167848, MedGen C0878544, MONDO:0004994, HP:0001638. Inheritance: Various modes of inheritance.
Hypertrophic cardiomyopathy. Also called: HYPERTROPHIC MYOCARDIOPATHY. Identifiers: Orphanet 217569, MedGen C0007194, MeSH D002312, MONDO:0005045, HP:0001639.

Allele frequency attached by ClinVar (database versions not stated): gnomAD 0.00001; TOPMed 0.00001.
gnomAD v4.1: 31 of 1,610,210 alleles (0.0019%); highest among the groups gnomAD compares: Non-Finnish European, 0.0025%; no homozygotes.

Submissions (2):

All of Us Research Program, National Institutes of Health
Classification: Uncertain significance for Hypertrophic cardiomyopathy. Last evaluated: 2023-11-02. Review status: criteria provided, single submitter. Criteria: ACMG Guidelines, 2015. Collection method: clinical testing. Allele origin: germline. Inheritance: Autosomal dominant inheritance. Observed: 1 variant allele, 1 heterozygote.
Comment: This variant causes a C to A nucleotide substitution at the -13 position in the 5' untranslated region in the TPM1 gene. To our knowledge, functional studies have not been reported for this variant. This variant has not been reported in individuals affected with TPM1-related disorders in the literature. This variant has been identified in 1/31384 chromosomes in the general population by the Genome Aggregation Database (gnomAD). The available evidence is insufficient to determine the role of this variant in disease conclusively. Therefore, this variant is classified as a Variant of Uncertain Significance.

This study involves interpretation of variants in research participants for the purpose of population health screening. Participant phenotype was not available at the time of variant classification. Additional details can be found in publication PMID: 35346344, PMCID: PMC8962531

Color Diagnostics, LLC DBA Color Health
Classification: Uncertain significance for Cardiomyopathy. Last evaluated: 2023-10-13. Review status: criteria provided, single submitter. Criteria: ACMG Guidelines, 2015. Collection method: clinical testing. Allele origin: germline.
Comment: This variant causes a C to A nucleotide substitution at the -13 position in the 5' untranslated region in the TPM1 gene. To our knowledge, functional studies have not been reported for this variant. This variant has not been reported in individuals affected with TPM1-related disorders in the literature. This variant has been identified in 1/31384 chromosomes in the general population by the Genome Aggregation Database (gnomAD). The available evidence is insufficient to determine the role of this variant in disease conclusively. Therefore, this variant is classified as a Variant of Uncertain Significance.

NM_001018005.2(TPM1):c.-13C>A

Gene: TPM1 (tropomyosin 1; plus strand). Cytogenetic location: 15q22.2.
Variant type: single nucleotide variant.
Coding change: c.-13C>A on transcript NM_001018005.2 (MANE Select); 13 bases upstream of the start codon, C replaced by A.
Molecular consequence: 5 prime UTR variant.
Genome position (GRCh38, 1-based): chr15:63,042,817, C>A. VCF-style: chr15-63042817-C-A. GRCh37 (hg19) VCF-style: chr15-63335016-C-A.
Other names: c.-13C>A (NM_000366.6, NM_001018004.2, NM_001018006.2 and 7 more transcripts).
Identifiers: ClinVar variation 918953 (VCV000918953.6), dbSNP rs1257687404, ClinGen allele CA618528282.